The following is an entry in ClinVar:

ClinVar aggregate classification (germline): Uncertain significance. Review status: criteria provided, multiple submitters, no conflicts (2 of 4 stars). 3 submissions from 3 submitters: Uncertain significance (3). Last evaluated 2026-09-18.

Conditions:
DLST-related disorder. Also called: DLST-related condition.

Allele frequency attached by ClinVar (database versions not stated): ExAC 0.00014; TOPMed 0.00022; ESP Exome Variant Server 0.00023; gnomAD 0.00025; gnomAD exomes 0.00043.
gnomAD v4.1: 706 of 1,613,806 alleles (0.044%); highest among the groups gnomAD compares: Non-Finnish European, 0.054%; no homozygotes.

Submissions (3):

PreventionGenetics, part of Exact Sciences
Classification: Uncertain significance for DLST-related condition. Last evaluated: 2026-09-18. Review status: criteria provided, single submitter. Criteria: ACMG Guidelines, 2015. Collection method: clinical testing. Allele origin: germline.
Comment: The DLST c.490C>T variant is predicted to result in the amino acid substitution p.Pro164Ser. To our knowledge, this variant has not been reported in the literature. This variant is reported in 0.036% of alleles in individuals of European (Non-Finnish) descent in gnomAD and is interpreted as variant of uncertain significance in ClinVar (Variation ID: 2373514). Although we suspect that this variant may be benign, the clinical significance of this variant is classified as uncertain at this time due to insufficient functional and genetic evidence.

Labcorp Genetics (formerly Invitae), Labcorp
Classification: Uncertain significance. Last evaluated: 2025-09-07. Review status: criteria provided, single submitter. Criteria: Invitae Variant Classification Sherloc (09022015). Collection method: clinical testing. Allele origin: germline.
Comment: This sequence change replaces proline, which is neutral and non-polar, with serine, which is neutral and polar, at codon 164 of the DLST protein (p.Pro164Ser). This variant is present in population databases (rs148302005, gnomAD 0.04%). This variant has not been reported in the literature in individuals affected with DLST-related conditions. ClinVar contains an entry for this variant (Variation ID: 2373514). Invitae Evidence Modeling of protein sequence and biophysical properties (such as structural, functional, and spatial information, amino acid conservation, physicochemical variation, residue mobility, and thermodynamic stability) indicates that this missense variant is not expected to disrupt DLST protein function with a negative predictive value of 80%. In summary, the available evidence is currently insufficient to determine the role of this variant in disease. Therefore, it has been classified as a Variant of Uncertain Significance.

Ambry Genetics
Classification: Uncertain significance. Last evaluated: 2021-07-06. Review status: criteria provided, single submitter. Criteria: Ambry Variant Classification Scheme 2023. Collection method: clinical testing. Allele origin: germline.

NM_001933.5(DLST):c.490C>T (p.Pro164Ser)

Gene: DLST (dihydrolipoamide S-succinyltransferase; plus strand). Cytogenetic location: 14q24.3.
Variant type: single nucleotide variant.
Coding change: c.490C>T on transcript NM_001933.5 (MANE Select); coding-DNA position 490, C replaced by T.
Protein change: p.Pro164Ser; replaces proline 164 with serine.
Molecular consequence: missense variant. On other transcripts: non-coding transcript variant (2).
Genome position (GRCh38, 1-based): chr14:74,892,881, C>T. VCF-style: chr14-74892881-C-T. GRCh37 (hg19) VCF-style: chr14-75359584-C-T.
Other names: short protein forms P164S.
Identifiers: ClinVar variation 2373514 (VCV002373514.4), dbSNP rs148302005, ClinGen allele CA7273525.